The following is an entry in ClinVar:

NM_000179.3(MSH6):c.3582_3585dup (p.Glu1196delinsLysTer)

Gene: MSH6 (mutS homolog 6; plus strand). Cytogenetic location: 2p16.3.
Variant type: Duplication.
Coding change: c.3582_3585dup on transcript NM_000179.3 (MANE Select); coding-DNA positions 3582 to 3585, 4 bases duplicated (AAGT; older notation c.3582_3585dupAAGT).
Protein change: p.Glu1196delinsLysTer.
Molecular consequence: nonsense. On other transcripts: frameshift variant (38).
Genome position (GRCh38, 1-based): chr2:47,805,643-47,805,646, AAGT duplicated; duplicating any 4 consecutive bases within chr2:47,805,642-47,805,646 gives the same sequence; the c. name uses the placement nearest the transcript's 3' end. VCF-style (leftmost placement, unchanged base first): chr2-47805641-T-TTAAG. GRCh37 (hg19) VCF-style: chr2-48032780-T-TTAAG.
Other names: c.3192_3195dup, p.Glu1066delinsLysTer (NM_001281492.2); c.2676_2679dup, p.Glu894delinsLysTer (NM_001281493.2, NM_001281494.2); c.3678_3681dup, p.Glu1228Lysfs (NM_001406795.1, NM_001406802.1); c.3582_3585dup, p.Glu1196Lysfs (NM_001406796.1, NM_001406800.1, NM_001406808.1 and 1 more transcripts); c.3285_3288dup, p.Glu1097Lysfs (NM_001406797.1, NM_001406801.1, NM_001406805.1 and 10 more transcripts); c.3408_3411dup, p.Glu1138Lysfs (NM_001406798.1); c.3057_3060dup, p.Glu1021Lysfs (NM_001406799.1, NM_001406806.1, NM_001406807.1); c.2718_2721dup, p.Glu908Lysfs (NM_001406803.1); and 8 more.
Identifiers: ClinVar variation 2003210 (VCV002003210.4), dbSNP rs2530822570, ClinGen allele CA2580067236.

ClinVar aggregate classification (germline): Pathogenic (1 of 4 stars; one submission).

Conditions:
Hereditary nonpolyposis colorectal neoplasms. Identifiers: MedGen C0009405, MeSH D003123.

Submission:

Labcorp Genetics (formerly Invitae), Labcorp
Classification: Pathogenic for Hereditary nonpolyposis colorectal neoplasms. Last evaluated: 2022-06-08. Review status: criteria provided, single submitter. Criteria: Invitae Variant Classification Sherloc (09022015). Collection method: clinical testing. Allele origin: germline.
Comment: This variant has not been reported in the literature in individuals affected with MSH6-related conditions. For these reasons, this variant has been classified as Pathogenic. This variant is not present in population databases (gnomAD no frequency). This sequence change creates a premature translational stop signal (p.Glu1196Lysfs*2) in the MSH6 gene. It is expected to result in an absent or disrupted protein product. Loss-of-function variants in MSH6 are known to be pathogenic (PMID: 18269114, 24362816).

Literature cited by the submitters: PubMed 18269114; PubMed 24362816.